The following is an entry in ClinVar:

ClinVar aggregate classification (germline): Uncertain significance (1 of 4 stars; one submission).

Submission:

Labcorp Genetics (formerly Invitae), Labcorp
Classification: Uncertain significance. Last evaluated: 2025-08-19. Review status: criteria provided, single submitter. Criteria: Invitae Variant Classification Sherloc (09022015). Collection method: clinical testing. Allele origin: germline.
Comment: This variant, c.1817_1843del, results in the deletion of 9 amino acid(s) of the GRM6 protein (p.Thr606_Pro614del), but otherwise preserves the integrity of the reading frame. This variant is not present in population databases (gnomAD no frequency). This variant has not been reported in the literature in individuals affected with GRM6-related conditions. In summary, the available evidence is currently insufficient to determine the role of this variant in disease. Therefore, it has been classified as a Variant of Uncertain Significance.

NM_000843.4(GRM6):c.1817_1843del (p.Thr606_Pro614del)

Genes: GRM6 (glutamate metabotropic receptor 6; minus strand), ZNF454 (zinc finger protein 454; plus strand). Cytogenetic location: 5q35.3.
Variant type: Deletion.
Coding change: c.1817_1843del on transcript NM_000843.4 (MANE Select); coding-DNA positions 1817 to 1843, 27 bases deleted (CCTTCGTGCGGTACAACAACACGCCCA).
Protein change: p.Thr606_Pro614del.
Molecular consequence: inframe deletion.
Genome position (GRCh38, 1-based): chr5:178,986,411-178,986,437, TGGGCGTGTTGTTGTACCGCACGAAGG deleted on the plus strand (CCTTCGTGCGGTACAACAACACGCCCA on the coding strand, the reverse complement: GRM6 is on the minus strand); deleting any 27 consecutive bases within chr5:178,986,411-178,986,440 gives the same sequence; the c. name uses the placement nearest the transcript's 3' end. VCF-style (leftmost placement, unchanged base first): chr5-178986410-ATGGGCGTGTTGTTGTACCGCACGAAGG-A. GRCh37 (hg19) VCF-style: chr5-178413411-ATGGGCGTGTTGTTGTACCGCACGAAGG-A.
Identifiers: ClinVar variation 4725685 (VCV004725685.1).